The following is an entry in ClinVar:

NM_153676.4(USH1C):c.1139del (p.Gly379_Ser380insTer)

Gene: USH1C (USH1 protein network component harmonin; minus strand). Cytogenetic location: 11p15.1.
Variant type: Deletion.
Coding change: c.1139del on transcript NM_153676.4 (MANE Select); coding-DNA position 1139, one base deleted (C; older notation c.1139delC).
Protein change: p.Gly379_Ser380insTer.
Molecular consequence: nonsense. On other transcripts: non-coding transcript variant (1).
Genome position (GRCh38, 1-based): chr11:17,520,941, G deleted on the plus strand (C on the coding strand, the reverse complement: USH1C is on the minus strand). VCF-style (leftmost placement, unchanged base first): chr11-17520940-TG-T. GRCh37 (hg19) VCF-style: chr11-17542487-TG-T.
Other names: c.1082del, p.Gly360_Ser361insTer (NM_001297764.2); c.1139del, p.Gly379_Ser380insTer (NM_005709.4).
Identifiers: ClinVar variation 553726 (VCV000553726.11), dbSNP rs1554960390, ClinGen allele CA658822061.

ClinVar aggregate classification (germline): Pathogenic/Likely pathogenic. Review status: criteria provided, multiple submitters, no conflicts (2 of 4 stars). 5 submissions from 5 submitters: Pathogenic (1); Likely pathogenic (3). 1 of the submissions does not count toward it. Last evaluated 2025-09-02.

Conditions:
Autosomal recessive nonsyndromic hearing loss 18A. Also called: Deafness, autosomal recessive 18A; DEAFNESS, AUTOSOMAL RECESSIVE 18. Identifiers: Orphanet 90636, MedGen C1865870, MONDO:0011192, OMIM 602092.
Usher syndrome type 1C. Also called: USHER SYNDROME, TYPE I, ACADIAN VARIETY. Identifiers: Orphanet 231169, Orphanet 886, MedGen C1848604, MONDO:0010171, OMIM 276904.

Allele frequency attached by ClinVar (database versions not stated): TOPMed 0.00001.

Submissions (5):

Natera, Inc.
Classification: Likely pathogenic for Usher syndrome type 1C. Last evaluated: 2025-09-02. Review status: criteria provided, single submitter. Criteria: Natera Variant Classification Schema (03/2026). Collection method: clinical testing. Allele origin: germline.
Comment: The c.1139delC variant in USH1C is a frameshift variant predicted to shift the reading frame and introduce a stop codon. This variant is expected to result in nonsense mediated decay, truncation, or a dysfunctional protein product. This variant is rare in the general population with a frequency below the threshold expected for the associated phenotype(s). Given the available evidence, this variant is classified as Likely Pathogenic.

Fulgent Genetics
Classification: Likely pathogenic for Usher syndrome type 1C; Autosomal recessive nonsyndromic hearing loss 18A. Last evaluated: 2024-06-11. Review status: criteria provided, single submitter. Criteria: ACMG Guidelines, 2015. Collection method: clinical testing. Allele origin: germline.

Baylor Genetics
Classification: Likely pathogenic for Autosomal recessive nonsyndromic hearing loss 18A. Last evaluated: 2023-07-13. Review status: criteria provided, single submitter. Criteria: ACMG Guidelines, 2015. Collection method: clinical testing. Allele origin: unknown.

Labcorp Genetics (formerly Invitae), Labcorp
Classification: Pathogenic. Last evaluated: 2022-08-05. Review status: criteria provided, single submitter. Criteria: Invitae Variant Classification Sherloc (09022015). Collection method: clinical testing. Allele origin: germline.
Comment: This sequence change creates a premature translational stop signal (p.Ser380*) in the USH1C gene. It is expected to result in an absent or disrupted protein product. Loss-of-function variants in USH1C are known to be pathogenic (PMID: 10973247, 17407589, 20301442, 21203349). This variant is not present in population databases (gnomAD no frequency). This variant has not been reported in the literature in individuals affected with USH1C-related conditions. ClinVar contains an entry for this variant (Variation ID: 553726). For these reasons, this variant has been classified as Pathogenic.

Counsyl
Classification: Likely pathogenic for Usher syndrome type 1C; Autosomal recessive nonsyndromic hearing loss 18A. Last evaluated: 2017-09-06. Review status: no assertion criteria provided. Collection method: clinical testing. Allele origin: unknown. Not counted in ClinVar's aggregate classification.

Literature cited by the submitters: PubMed 10973247 (cited by Labcorp Genetics (formerly Invitae), Labcorp); PubMed 17407589 (cited by Labcorp Genetics (formerly Invitae), Labcorp); PubMed 20301442 (cited by Labcorp Genetics (formerly Invitae), Labcorp); PubMed 21203349 (cited by Labcorp Genetics (formerly Invitae), Labcorp).